The following is an entry in ClinVar:

NM_000542.5(SFTPB):c.576C>T (p.His192=)

Gene: SFTPB (surfactant protein B; minus strand). Cytogenetic location: 2p11.2.
Variant type: single nucleotide variant.
Coding change: c.576C>T on transcript NM_000542.5 (MANE Select); coding-DNA position 576, C replaced by T.
Protein change: p.His192=; no amino-acid change (histidine 192 retained).
Molecular consequence: synonymous variant.
Genome position (GRCh38, 1-based): chr2:85,665,612, G>A on the plus strand (C>T on the coding strand, the complement: SFTPB is on the minus strand). VCF-style: chr2-85665612-G-A. GRCh37 (hg19) VCF-style: chr2-85892735-G-A.
Other names: c.576C>T, p.His192= (NM_001367281.2, NM_198843.4).
Identifiers: ClinVar variation 729110 (VCV000729110.12), dbSNP rs45601634, ClinGen allele CA1744001.

ClinVar aggregate classification (germline): Benign/Likely benign. Review status: criteria provided, multiple submitters, no conflicts (2 of 4 stars). 3 submissions from 3 submitters: Benign (1); Likely benign (1). 1 of the submissions does not count toward it. Last evaluated 2025-08-12.

Conditions:
Hereditary pulmonary alveolar proteinosis. Also called: Pulmonary surfactant metabolism dysfunction. Identifiers: Orphanet 264675, MedGen C3711368, MONDO:0012580.
SFTPB-related disorder. Also called: SFTPB-related condition.

Allele frequency attached by ClinVar (database versions not stated): gnomAD exomes 0.00006 and 0.00012; ExAC 0.00020; 1000 Genomes Project 30x 0.00031; 1000 Genomes Project 0.00040; gnomAD 0.00064 and 0.00068; TOPMed 0.00077; ESP Exome Variant Server 0.00108.
gnomAD v4.1: 179 of 1,613,638 alleles (0.011%); highest among the groups gnomAD compares: African/African-American, 0.23%; no homozygotes.

Submissions (3):

Labcorp Genetics (formerly Invitae), Labcorp
Classification: Likely benign. Last evaluated: 2025-08-12. Review status: criteria provided, single submitter. Criteria: Invitae Variant Classification Sherloc (09022015). Collection method: clinical testing. Allele origin: germline.

Ambry Genetics
Classification: Benign for Hereditary pulmonary alveolar proteinosis. Last evaluated: 2017-04-20. Review status: criteria provided, single submitter. Criteria: Ambry Variant Classification Scheme 2023. Collection method: clinical testing. Allele origin: germline.

PreventionGenetics, part of Exact Sciences
Classification: Likely benign for SFTPB-related condition. Last evaluated: 2019-11-25. Review status: no assertion criteria provided. Collection method: clinical testing. Allele origin: germline. Not counted in ClinVar's aggregate classification.
Comment: This variant is classified as likely benign based on ACMG/AMP sequence variant interpretation guidelines (Richards et al. 2015 PMID: 25741868, with internal and published modifications).